The following is an entry in ClinVar:

ClinVar aggregate classification (germline): Uncertain significance (1 of 4 stars; one submission).

Conditions:
Hereditary cancer-predisposing syndrome. Also called: Neoplastic Syndromes, Hereditary; Hereditary Cancer Syndrome; Hereditary neoplastic syndrome; Tumor predisposition. Identifiers: Orphanet 140162, MedGen C0027672, MeSH D009386, MONDO:0015356.

Submission:

Ambry Genetics
Classification: Uncertain significance for Hereditary cancer-predisposing syndrome. Last evaluated: 2025-07-16. Review status: criteria provided, single submitter. Criteria: Ambry Variant Classification Scheme 2023. Collection method: clinical testing. Allele origin: germline.
Comment: The p.T576P variant (also known as c.1726A>C), located in coding exon 12 of the CDH1 gene, results from an A to C substitution at nucleotide position 1726. The threonine at codon 576 is replaced by proline, an amino acid with highly similar properties. This amino acid position is highly conserved in available vertebrate species. In addition, the in silico prediction for this alteration is inconclusive. Based on the available evidence, the clinical significance of this variant remains unclear.

NM_004360.5(CDH1):c.1726A>C (p.Thr576Pro)

Gene: CDH1 (cadherin 1; plus strand). Cytogenetic location: 16q22.1.
Variant type: single nucleotide variant.
Coding change: c.1726A>C on transcript NM_004360.5 (MANE Select); coding-DNA position 1726, A replaced by C.
Protein change: p.Thr576Pro; replaces threonine 576 with proline.
Molecular consequence: missense variant. On other transcripts: 5 prime UTR variant (1).
Genome position (GRCh38, 1-based): chr16:68,822,015, A>C. VCF-style: chr16-68822015-A-C. GRCh37 (hg19) VCF-style: chr16-68855918-A-C.
Other names: c.1543A>C, p.Thr515Pro (NM_001317184.2); c.178A>C, p.Thr60Pro (NM_001317185.2); c.-240A>C (NM_001317186.2); c.1726A>C (LRG_301t1); short protein forms T576P, T515P, T60P.
Identifiers: ClinVar variation 479497 (VCV000479497.5), dbSNP rs759536558, ClinGen allele CA396466256.